The following is an entry in ClinVar:

NM_201384.3(PLEC):c.12535GAG[1] (p.Glu4180del)

Gene: PLEC (plectin; minus strand). Cytogenetic location: 8q24.3.
Variant type: Microsatellite.
Coding change: c.12535GAG[1] on transcript NM_201384.3 (MANE Select); one copy of the 3-base unit GAG starting at c.12535; the reference has two copies in a row; one copy, 3 bases deleted.
Protein change: p.Glu4180del; deletes glutamic acid 4180.
Molecular consequence: inframe deletion.
Genome position (GRCh38, 1-based): chr8:143,917,281-143,917,283, CTC deleted on the plus strand (GAG on the coding strand, the reverse complement: PLEC is on the minus strand); deleting any 3 consecutive bases within chr8:143,917,281-143,917,287 gives the same sequence; the position shown is the placement nearest the transcript's 3' end. VCF-style (leftmost placement, unchanged base first): chr8-143917280-TCTC-T. GRCh37 (hg19) VCF-style: chr8-144991448-TCTC-T.
Other names: c.12616GAG[1], p.Glu4207del (NM_000445.5); c.12493GAG[1], p.Glu4166del (NM_201378.4); c.12469GAG[1], p.Glu4158del (NM_201379.3); c.12946GAG[1], p.Glu4317del (NM_201380.4); c.12439GAG[1], p.Glu4148del (NM_201381.3); c.12535GAG[1], p.Glu4180del (NM_201382.4); c.12547GAG[1], p.Glu4184del (NM_201383.3); short protein forms E4148del, E4180del, E4184del, E4158del, E4317del, E4166del, E4207del.
Identifiers: ClinVar variation 1510919 (VCV001510919.6), dbSNP rs2130844523, ClinGen allele CA2580617245.

ClinVar aggregate classification (germline): Uncertain significance (1 of 4 stars; one submission).

Conditions:
Autosomal recessive limb-girdle muscular dystrophy type 2Q (LGMDR17). Also called: MUSCULAR DYSTROPHY, LIMB-GIRDLE, AUTOSOMAL RECESSIVE 17. Identifiers: Orphanet 254361, MedGen C3150989, MONDO:0013390, OMIM 613723.
Epidermolysis bullosa simplex, Ogna type (EBS5A). Also called: Pidermolysis bullosa simplex 5A, Ogna type; EPIDERMOLYSIS BULLOSA SIMPLEX 5A, OGNA TYPE. Identifiers: Orphanet 79401, MedGen C0432317, MONDO:0007555, OMIM 131950.
Epidermolysis bullosa simplex 5B, with muscular dystrophy (EBS5B). Also called: EPIDERMOLYSIS BULLOSA SIMPLEX AND LIMB-GIRDLE MUSCULAR DYSTROPHY; Epidermolysis bullosa simplex with muscular dystrophy. Identifiers: Orphanet 257, MedGen C2931072, MONDO:0009181, OMIM 226670.
Epidermolysis bullosa simplex 5C, with pyloric atresia (EBS5C). Also called: Epidermolysis bullosa simplex with pyloric atresia; PLEC-Related Epidermolysis Bullosa with Pyloric Atresia; PLEC1-Related Epidermolysis Bullosa with Pyloric Atresia. Identifiers: Orphanet 158684, MedGen C2677349, MONDO:0012807, OMIM 612138.
Epidermolysis bullosa simplex with nail dystrophy (EBS5D). Identifiers: MedGen C4225309, MONDO:0014661, OMIM 616487.

Submission:

Labcorp Genetics (formerly Invitae), Labcorp
Classification: Uncertain significance for Autosomal recessive limb-girdle muscular dystrophy type 2Q; Epidermolysis bullosa simplex, Ogna type; Epidermolysis bullosa simplex with nail dystrophy; Epidermolysis bullosa simplex 5C, with pyloric atresia; Epidermolysis bullosa simplex 5B, with muscular dystrophy. Last evaluated: 2021-08-07. Review status: criteria provided, single submitter. Criteria: Invitae Variant Classification Sherloc (09022015). Collection method: clinical testing. Allele origin: germline.
Comment: In summary, the available evidence is currently insufficient to determine the role of this variant in disease. Therefore, it has been classified as a Variant of Uncertain Significance. Experimental studies and prediction algorithms are not available or were not evaluated, and the functional significance of this variant is currently unknown. This variant has not been reported in the literature in individuals affected with PLEC-related conditions. This variant is not present in population databases (ExAC no frequency). This variant, c.12619_12621del, results in the deletion of 1 amino acid(s) of the PLEC protein (p.Glu4207del), but otherwise preserves the integrity of the reading frame.